The following is an entry in ClinVar:

NM_006648.4(WNK2):c.328G>C (p.Ala110Pro)

Gene: WNK2 (WNK lysine deficient protein kinase 2; plus strand). Cytogenetic location: 9q22.31.
Variant type: single nucleotide variant.
Coding change: c.328G>C on transcript NM_006648.4 (MANE Select); coding-DNA position 328, G replaced by C.
Protein change: p.Ala110Pro; replaces alanine 110 with proline.
Molecular consequence: missense variant.
Genome position (GRCh38, 1-based): chr9:93,185,257, G>C. VCF-style: chr9-93185257-G-C. GRCh37 (hg19) VCF-style: chr9-95947539-G-C.
Other names: c.328G>C, p.Ala110Pro (NM_001282394.3); short protein forms A110P.
Identifiers: ClinVar variation 3470041 (VCV003470041.1).

ClinVar aggregate classification (germline): Uncertain significance (1 of 4 stars; one submission).

Submission:

Ambry Genetics
Classification: Uncertain significance. Last evaluated: 2024-10-02. Review status: criteria provided, single submitter. Criteria: Ambry Variant Classification Scheme 2023. Collection method: clinical testing. Allele origin: germline.
Comment: The p.A110P variant (also known as c.328G>C), located in coding exon 1 of the WNK2 gene, results from a G to C substitution at nucleotide position 328. The alanine at codon 110 is replaced by proline, an amino acid with highly similar properties. This amino acid position is conserved. In addition, this alteration is predicted to be tolerated by in silico analysis. Based on the available evidence, the clinical significance of this variant remains unclear.